The following is an entry in ClinVar:

ClinVar aggregate classification (germline): Uncertain significance (1 of 4 stars; one submission).

Conditions:
Developmental and epileptic encephalopathy, 1 (DEE1). Also called: X-linked infantile spasms; West's syndrome; Tonic spasms with clustering, arrest of psychomotor development and hypsarrhythmia on EEG; X-Linked Infantile Spasm Syndrome; OHTAHARA SYNDROME, X-LINKED; INFANTILE SPASM SYNDROME, X-LINKED 1. Identifiers: MedGen C3463992, MONDO:0010632, OMIM 308350. Disease mechanism: loss of function.
Autosomal dominant nonsyndromic hearing loss 65. Also called: TBC1D24-Related Autosomal Dominant Nonsyndromic Hearing Loss (DFNA); Deafness, autosomal dominant 65. Identifiers: Orphanet 90635, MedGen C3892048, MONDO:0014470, OMIM 616044.

Submission:

Labcorp Genetics (formerly Invitae), Labcorp
Classification: Uncertain significance for Developmental and epileptic encephalopathy, 1; Autosomal dominant nonsyndromic hearing loss 65. Last evaluated: 2025-02-03. Review status: criteria provided, single submitter. Criteria: Invitae Variant Classification Sherloc (09022015). Collection method: clinical testing. Allele origin: germline.
Comment: This sequence change replaces valine, which is neutral and non-polar, with leucine, which is neutral and non-polar, at codon 265 of the TBC1D24 protein (p.Val265Leu). This variant is not present in population databases (gnomAD no frequency). This variant has not been reported in the literature in individuals affected with TBC1D24-related conditions. ClinVar contains an entry for this variant (Variation ID: 1437518). Invitae Evidence Modeling of protein sequence and biophysical properties (such as structural, functional, and spatial information, amino acid conservation, physicochemical variation, residue mobility, and thermodynamic stability) indicates that this missense variant is not expected to disrupt TBC1D24 protein function with a negative predictive value of 80%. In summary, the available evidence is currently insufficient to determine the role of this variant in disease. Therefore, it has been classified as a Variant of Uncertain Significance.

NM_001199107.2(TBC1D24):c.793G>T (p.Val265Leu)

Gene: TBC1D24 (TBC1 domain family member 24; plus strand). Cytogenetic location: 16p13.3.
Variant type: single nucleotide variant.
Coding change: c.793G>T on transcript NM_001199107.2 (MANE Select); coding-DNA position 793, G replaced by T.
Protein change: p.Val265Leu; replaces valine 265 with leucine.
Molecular consequence: missense variant.
Genome position (GRCh38, 1-based): chr16:2,496,941, G>T. VCF-style: chr16-2496941-G-T. GRCh37 (hg19) VCF-style: chr16-2546942-G-T.
Other names: c.793G>T, p.Val265Leu (NM_020705.3); short protein forms V265L.
Identifiers: ClinVar variation 1437518 (VCV001437518.6), dbSNP rs772768393, ClinGen allele CA394377350.